The following is an entry in ClinVar:

ClinVar aggregate classification (germline): Uncertain significance. Review status: criteria provided, multiple submitters, no conflicts (2 of 4 stars). 3 submissions from 3 submitters: Uncertain significance (3). Last evaluated 2024-11-11.

Conditions:
Peutz-Jeghers syndrome (PJS). Also called: Peutz-Jeghers polyposis; Periorificial lentiginosis syndrome; POLYPOSIS, HAMARTOMATOUS INTESTINAL; POLYPS-AND-SPOTS SYNDROME. Identifiers: Orphanet 2869, MedGen C0031269, MeSH D010580, MONDO:0008280, OMIM 175200.
Hereditary cancer-predisposing syndrome. Also called: Neoplastic Syndromes, Hereditary; Hereditary neoplastic syndrome; Tumor predisposition; Hereditary Cancer Syndrome. Identifiers: Orphanet 140162, MedGen C0027672, MeSH D009386, MONDO:0015356.

Submissions (3):

Ambry Genetics
Classification: Uncertain significance for Hereditary cancer-predisposing syndrome. Last evaluated: 2024-11-11. Review status: criteria provided, single submitter. Criteria: Ambry Variant Classification Scheme 2023. Collection method: clinical testing. Allele origin: germline.
Comment: The p.D352V variant (also known as c.1055A>T), located in coding exon 8 of the STK11 gene, results from an A to T substitution at nucleotide position 1055. The aspartic acid at codon 352 is replaced by valine, an amino acid with highly dissimilar properties. This amino acid position is conserved. In addition, this alteration is predicted to be tolerated by in silico analysis. Based on the available evidence, the clinical significance of this variant remains unclear.

Labcorp Genetics (formerly Invitae), Labcorp
Classification: Uncertain significance for Peutz-Jeghers syndrome. Last evaluated: 2023-04-13. Review status: criteria provided, single submitter. Criteria: Invitae Variant Classification Sherloc (09022015). Collection method: clinical testing. Allele origin: germline.
Comment: This variant is not present in population databases (gnomAD no frequency). This sequence change replaces aspartic acid, which is acidic and polar, with valine, which is neutral and non-polar, at codon 352 of the STK11 protein (p.Asp352Val). This variant has not been reported in the literature in individuals affected with STK11-related conditions. In summary, the available evidence is currently insufficient to determine the role of this variant in disease. Therefore, it has been classified as a Variant of Uncertain Significance. Advanced modeling of protein sequence and biophysical properties (such as structural, functional, and spatial information, amino acid conservation, physicochemical variation, residue mobility, and thermodynamic stability) performed at Invitae indicates that this missense variant is not expected to disrupt STK11 protein function. ClinVar contains an entry for this variant (Variation ID: 1685153).

Mendelics
Classification: Uncertain significance. Last evaluated: 2022-05-04. Review status: criteria provided, single submitter. Criteria: Mendelics Assertion Criteria 2019. Collection method: clinical testing. Allele origin: germline.

NM_000455.5(STK11):c.1055A>T (p.Asp352Val)

Genes: STK11 (serine/threonine kinase 11; plus strand), LOC130062899 (ATAC-STARR-seq lymphoblastoid active region 13597; plus strand). Cytogenetic location: 19p13.3.
Variant type: single nucleotide variant.
Coding change: c.1055A>T on transcript NM_000455.5 (MANE Select); coding-DNA position 1055, A replaced by T.
Protein change: p.Asp352Val; replaces aspartic acid 352 with valine.
Molecular consequence: missense variant.
Genome position (GRCh38, 1-based): chr19:1,223,119, A>T. VCF-style: chr19-1223119-A-T. GRCh37 (hg19) VCF-style: chr19-1223118-A-T.
Other names: c.1055A>T (NM_000455.4); short protein forms D352V.
Identifiers: ClinVar variation 1685153 (VCV001685153.5), dbSNP rs2145431252, ClinGen allele CA402951837.